The following is an entry in ClinVar:

NM_001374353.1(GLI2):c.4486G>A (p.Asp1496Asn)

Gene: GLI2 (GLI family zinc finger 2; plus strand). Cytogenetic location: 2q14.2.
Variant type: single nucleotide variant.
Coding change: c.4486G>A on transcript NM_001374353.1 (MANE Select); coding-DNA position 4486, G replaced by A.
Protein change: p.Asp1496Asn; replaces aspartic acid 1496 with asparagine.
Molecular consequence: missense variant.
Genome position (GRCh38, 1-based): chr2:120,990,451, G>A. VCF-style: chr2-120990451-G-A. GRCh37 (hg19) VCF-style: chr2-121748027-G-A.
Other names: c.4537G>A, p.Asp1513Asn (NM_001371271.1, NM_005270.5); c.4111G>A, p.Asp1371Asn (NM_001374354.1); short protein forms D1371N, D1496N, D1513N.
Identifiers: ClinVar variation 2628384 (VCV002628384.2), dbSNP rs755563767, ClinGen allele CA1852643.
Genomic context (GRCh38, chr2:120,990,451, plus strand): 5'-GTCAACCAGGTGTCCAGCACTGTGGACTCCCAGCTCCTGGAGGCCCCCCAGATTGACTTC[G>A]ATGCCATCATGGATGATGGCGATCACTCGAGTTTGTTCTCGGGTGCTCTGAGCCCCAGCC-3'
Protein context (NP_001361282.1, residues 1486-1506): QLLEAPQIDF[Asp1496Asn]AIMDDGDHSS

ClinVar aggregate classification (germline): Uncertain significance. Review status: criteria provided, multiple submitters, no conflicts (2 of 4 stars). 2 submissions from 2 submitters: Uncertain significance (2). Last evaluated 2022-10-04.

Conditions:
GLI2-related disorder. Also called: GLI2-related disorders; GLI2-related condition.

Allele frequency attached by ClinVar (database versions not stated): gnomAD exomes 0.00001; ExAC 0.00002.
gnomAD v4.1: 21 of 1,613,734 alleles (0.0013%); highest among the groups gnomAD compares: East Asian, 0.0022%; no homozygotes.

Submissions (2):

PreventionGenetics, part of Exact Sciences
Classification: Uncertain significance for GLI2-related condition. Last evaluated: 2022-10-04. Review status: criteria provided, single submitter. Criteria: ACMG Guidelines, 2015. Collection method: clinical testing. Allele origin: germline.
Comment: The GLI2 c.4537G>A variant is predicted to result in the amino acid substitution p.Asp1513Asn. To our knowledge, this variant has not been reported in the literature. This variant is reported in 0.0050% of alleles in individuals of East Asian descent in gnomAD. At this time, the clinical significance of this variant is uncertain due to the absence of conclusive functional and genetic evidence.

Blueprint Genetics
Classification: Uncertain significance. Last evaluated: 2022-05-19. Review status: criteria provided, single submitter. Criteria: ACMG Guidelines, 2015. Collection method: clinical testing. Allele origin: germline.